The following is an entry in ClinVar:

NM_003060.4(SLC22A5):c.494_497del (p.Asp165fs)

Gene: SLC22A5 (solute carrier family 22 member 5; plus strand). Cytogenetic location: 5q31.1.
Variant type: Deletion.
Coding change: c.494_497del on transcript NM_003060.4 (MANE Select); coding-DNA positions 494 to 497, 4 bases deleted (ACAG; older notation c.494_497delACAG).
Protein change: p.Asp165fs; shifts the reading frame from aspartic acid 165.
Molecular consequence: frameshift variant.
Genome position (GRCh38, 1-based): chr5:132,378,478-132,378,481, ACAG deleted; deleting any 4 consecutive bases within chr5:132,378,475-132,378,481 gives the same sequence; the c. name uses the placement nearest the transcript's 3' end. VCF-style (leftmost placement, unchanged base first): chr5-132378474-TCAGA-T. GRCh37 (hg19) VCF-style: chr5-131714166-TCAGA-T.
Other names: c.566_569del, p.Asp189fs (NM_001308122.2); short protein forms D189fs, D165fs.
Identifiers: ClinVar variation 1453608 (VCV001453608.6), dbSNP rs2126775820, ClinGen allele CA2573138873.

ClinVar aggregate classification (germline): Pathogenic (1 of 4 stars; one submission).

Conditions:
Renal carnitine transport defect (CDSP). Also called: Carnitine transporter deficiency; Carnitine Deficiency, Systemic; Systemic primary carnitine deficiency disease; CARNITINE DEFICIENCY, SYSTEMIC, DUE TO DEFECT IN RENAL REABSORPTION OF CARNITINE; CARNITINE TRANSPORTER, PLASMA-MEMBRANE, DEFICIENCY OF; CARNITINE UPTAKE DEFECT. Identifiers: Orphanet 158, MedGen C0342788, MONDO:0008919, OMIM 212140.

Submission:

Labcorp Genetics (formerly Invitae), Labcorp
Classification: Pathogenic for Renal carnitine transport defect. Last evaluated: 2021-05-26. Review status: criteria provided, single submitter. Criteria: Invitae Variant Classification Sherloc (09022015). Collection method: clinical testing. Allele origin: germline.
Comment: This sequence change creates a premature translational stop signal (p.Asp165Glyfs*10) in the SLC22A5 gene. It is expected to result in an absent or disrupted protein product. Loss-of-function variants in SLC22A5 are known to be pathogenic (PMID: 9916797). This variant is not present in population databases (ExAC no frequency). This variant has not been reported in the literature in individuals with SLC22A5-related conditions. Algorithms developed to predict the effect of sequence changes on RNA splicing suggest that this variant may disrupt the consensus splice site, but this prediction has not been confirmed by published transcriptional studies. For these reasons, this variant has been classified as Pathogenic.

Literature cited by the submitters: PubMed 9916797.